The following is an entry in ClinVar:

ClinVar aggregate classification (germline): Uncertain significance. Review status: criteria provided, multiple submitters, no conflicts (2 of 4 stars). 2 submissions from 2 submitters: Uncertain significance (2). Last evaluated 2023-06-21.

Conditions:
Charcot-Marie-Tooth disease type 2. Also called: Charcot-Marie-Tooth type 2. Identifiers: Orphanet 64746, MedGen C0270914, MONDO:0018993.
Inborn genetic diseases. Identifiers: MedGen C0950123, MeSH D030342.

gnomAD v4.1: 3 of 1,614,196 alleles (0.00019%); highest among the groups gnomAD compares: Non-Finnish European, 0.00025%; no homozygotes.

Submissions (2):

Ambry Genetics
Classification: Uncertain significance for Inborn genetic diseases. Last evaluated: 2023-06-21. Review status: criteria provided, single submitter. Criteria: Ambry Variant Classification Scheme 2023. Collection method: clinical testing. Allele origin: germline.

Labcorp Genetics (formerly Invitae), Labcorp
Classification: Uncertain significance for Charcot-Marie-Tooth disease type 2. Last evaluated: 2022-11-08. Review status: criteria provided, single submitter. Criteria: Invitae Variant Classification Sherloc (09022015). Collection method: clinical testing. Allele origin: germline.
Comment: In summary, the available evidence is currently insufficient to determine the role of this variant in disease. Therefore, it has been classified as a Variant of Uncertain Significance. Advanced modeling of protein sequence and biophysical properties (such as structural, functional, and spatial information, amino acid conservation, physicochemical variation, residue mobility, and thermodynamic stability) has been performed at Invitae for this missense variant, however the output from this modeling did not meet the statistical confidence thresholds required to predict the impact of this variant on MFN2 protein function. This variant has not been reported in the literature in individuals affected with MFN2-related conditions. This variant is present in population databases (rs779756767, gnomAD 0.0009%). This sequence change replaces histidine, which is basic and polar, with glutamine, which is neutral and polar, at codon 96 of the MFN2 protein (p.His96Gln).

NM_014874.4(MFN2):c.288C>G (p.His96Gln)

Gene: MFN2 (mitofusin 2; plus strand). Cytogenetic location: 1p36.22.
Variant type: single nucleotide variant.
Coding change: c.288C>G on transcript NM_014874.4 (MANE Select); coding-DNA position 288, C replaced by G.
Protein change: p.His96Gln; replaces histidine 96 with glutamine.
Molecular consequence: missense variant.
Genome position (GRCh38, 1-based): chr1:11,992,667, C>G. VCF-style: chr1-11992667-C-G. GRCh37 (hg19) VCF-style: chr1-12052724-C-G.
Other names: c.288C>G, p.His96Gln (NM_001127660.2); short protein forms H96Q.
Identifiers: ClinVar variation 2604781 (VCV002604781.5), dbSNP rs779756767, ClinGen allele CA598787.
Genomic context (GRCh38, chr1:11,992,667, plus strand): 5'-GGACGTCAAAGGTTACCTATCCAAAGTGAGAGGCATCAGTGAGGTGCTGGCTCGGAGGCA[C>G]ATGAAAGTGGCTTTTTTTGGCCGGTAAGTCCTTGAGGCACCCACCCTTTCTTTCTTCCTG-3'
Protein context (NP_055689.1, residues 86-106): RGISEVLARR[His96Gln]MKVAFFGRTS